The following is an entry in ClinVar:

NM_003119.4(SPG7):c.1730G>C (p.Gly577Ala)

Gene: SPG7 (SPG7 matrix AAA peptidase subunit, paraplegin; plus strand). Cytogenetic location: 16q24.3.
Variant type: single nucleotide variant.
Coding change: c.1730G>C on transcript NM_003119.4 (MANE Select); coding-DNA position 1730, G replaced by C.
Protein change: p.Gly577Ala; replaces glycine 577 with alanine.
Molecular consequence: missense variant.
Genome position (GRCh38, 1-based): chr16:89,550,560, G>C. VCF-style: chr16-89550560-G-C. GRCh37 (hg19) VCF-style: chr16-89616968-G-C.
Other names: c.1730G>C, p.Gly577Ala (NM_001363850.1); short protein forms G577A.
Identifiers: ClinVar variation 1344129 (VCV001344129.11), dbSNP rs1329063851, ClinGen allele CA397431066.

ClinVar aggregate classification (germline): Conflicting classifications of pathogenicity. Review status: criteria provided, conflicting classifications (1 of 4 stars). 3 submissions from 3 submitters: Likely pathogenic (1); Uncertain significance (2). Last evaluated 2025-07-31.

Conditions:
Hereditary spastic paraplegia. Also called: Familial spastic paraparesis. Identifiers: Orphanet 685, MedGen C0037773, MONDO:0019064. Disease mechanism: loss of function.
Hereditary spastic paraplegia 7 (SPG7). Also called: SPG7-related neurologic disorder; Spastic paraplegia 7; Hereditary spastic paraplegia Paraplegin type; Autosomal recessive spastic paraplegia type 7; SPASTIC PARAPLEGIA 7, AUTOSOMAL RECESSIVE, WITH OR WITHOUT CEREBELLAR ATAXIA. Identifiers: Orphanet 99013, MedGen C1846564, MONDO:0011803, OMIM 607259.

Submissions (3):

Women's Health and Genetics/Laboratory Corporation of America, LabCorp
Classification: Uncertain significance. Last evaluated: 2025-07-31. Review status: criteria provided, single submitter. Criteria: LabCorp Variant Classification Summary - May 2015. Collection method: clinical testing. Allele origin: germline.
Comment: Variant summary: SPG7 c.1730G>C (p.Gly577Ala) results in a non-conservative amino acid change located in the Peptidase M41 (IPR000642) of the encoded protein sequence. Algorithms developed to predict the effect of missense changes on protein structure and function all suggest that this variant is likely to be disruptive. The variant was absent in 251290 control chromosomes. c.1730G>C has been observed in individual(s) with clinical features of Hereditary Spastic Paraplegia 7 (internal data). To our knowledge, no experimental evidence demonstrating an impact on protein function has been reported. However, a different variant affecting the same codon has been classified as pathogenic by our lab (c.1729G>A, p.Gly577Ser) supporting the critical relevance of codon 577 to SPG7 protein function. ClinVar contains an entry for this variant (Variation ID: 1344129). Based on the evidence outlined above, the variant was classified as VUS-possibly pathogenic.

Labcorp Genetics (formerly Invitae), Labcorp
Classification: Likely pathogenic for Hereditary spastic paraplegia 7. Last evaluated: 2021-10-16. Review status: criteria provided, single submitter. Criteria: Invitae Variant Classification Sherloc (09022015). Collection method: clinical testing. Allele origin: germline.
Comment: This missense change has been observed in individual(s) with clinical features of hereditary spastic paraplegia (Invitae). This variant is not present in population databases (ExAC no frequency). This sequence change replaces glycine with alanine at codon 577 of the SPG7 protein (p.Gly577Ala). The glycine residue is highly conserved and there is a small physicochemical difference between glycine and alanine. In summary, the currently available evidence indicates that the variant is pathogenic, but additional data are needed to prove that conclusively. Therefore, this variant has been classified as Likely Pathogenic. Advanced modeling of protein sequence and biophysical properties (such as structural, functional, and spatial information, amino acid conservation, physicochemical variation, residue mobility, and thermodynamic stability) performed at Invitae indicates that this missense variant is expected to disrupt SPG7 protein function. This variant disrupts the p.Gly577 amino acid residue in SPG7. Other variant(s) that disrupt this residue have been observed in individuals with SPG7-related conditions (PMID: 14985266, 21623769), which suggests that this may be a clinically significant amino acid residue.

Genome Diagnostics Laboratory, The Hospital for Sick Children
Classification: Uncertain significance for Hereditary spastic paraplegia. Last evaluated: 2018-10-03. Review status: criteria provided, single submitter. Criteria: ACMG Guidelines, 2015. Collection method: clinical testing. Allele origin: germline. Affected: yes.

Literature cited by the submitters: PubMed 14985266 (cited by Labcorp Genetics (formerly Invitae), Labcorp); PubMed 21623769 (cited by Labcorp Genetics (formerly Invitae), Labcorp).